The following is an entry in ClinVar:

NM_002968.3(SALL1):c.1766G>T (p.Gly589Val)

Gene: SALL1 (spalt like transcription factor 1; minus strand). Cytogenetic location: 16q12.1.
Variant type: single nucleotide variant.
Coding change: c.1766G>T on transcript NM_002968.3 (MANE Select); coding-DNA position 1766, G replaced by T.
Protein change: p.Gly589Val; replaces glycine 589 with valine.
Molecular consequence: missense variant.
Genome position (GRCh38, 1-based): chr16:51,140,456, C>A on the plus strand (G>T on the coding strand, the complement: SALL1 is on the minus strand). VCF-style: chr16-51140456-C-A. GRCh37 (hg19) VCF-style: chr16-51174367-C-A.
Other names: c.1475G>T, p.Gly492Val (NM_001127892.2); short protein forms G589V, G492V.
Identifiers: ClinVar variation 4717193 (VCV004717193.1).

ClinVar aggregate classification (germline): Uncertain significance (1 of 4 stars; one submission).

Conditions:
Townes syndrome (TBS). Also called: Townes-Brocks syndrome. Identifiers: Orphanet 857, MedGen C0265246, MeSH C536974, MONDO:0007142.

Submission:

Labcorp Genetics (formerly Invitae), Labcorp
Classification: Uncertain significance for Townes syndrome. Last evaluated: 2025-10-29. Review status: criteria provided, single submitter. Criteria: Invitae Variant Classification Sherloc (09022015). Collection method: clinical testing. Allele origin: germline.
Comment: This sequence change replaces glycine, which is neutral and non-polar, with valine, which is neutral and non-polar, at codon 589 of the SALL1 protein (p.Gly589Val). This variant is present in population databases (rs761032364, gnomAD 0.004%). This variant has not been reported in the literature in individuals affected with SALL1-related conditions. Invitae Evidence Modeling of protein sequence and biophysical properties (such as structural, functional, and spatial information, amino acid conservation, physicochemical variation, residue mobility, and thermodynamic stability) indicates that this missense variant is not expected to disrupt SALL1 protein function with a negative predictive value of 80%. In summary, the available evidence is currently insufficient to determine the role of this variant in disease. Therefore, it has been classified as a Variant of Uncertain Significance.